The following is an entry in ClinVar:

ClinVar aggregate classification (germline): Uncertain significance (1 of 4 stars; one submission).

Submission:

Labcorp Genetics (formerly Invitae), Labcorp
Classification: Uncertain significance. Last evaluated: 2023-07-17. Review status: criteria provided, single submitter. Criteria: Invitae Variant Classification Sherloc (09022015). Collection method: clinical testing. Allele origin: germline.
Comment: This sequence change replaces valine, which is neutral and non-polar, with phenylalanine, which is neutral and non-polar, at codon 495 of the CDH3 protein (p.Val495Phe). This variant is not present in population databases (gnomAD no frequency). This variant has not been reported in the literature in individuals affected with CDH3-related conditions. ClinVar contains an entry for this variant (Variation ID: 1514028). Advanced modeling of protein sequence and biophysical properties (such as structural, functional, and spatial information, amino acid conservation, physicochemical variation, residue mobility, and thermodynamic stability) performed at Invitae indicates that this missense variant is expected to disrupt CDH3 protein function. In summary, the available evidence is currently insufficient to determine the role of this variant in disease. Therefore, it has been classified as a Variant of Uncertain Significance.

NM_001793.6(CDH3):c.1483G>T (p.Val495Phe)

Gene: CDH3 (cadherin 3; plus strand). Cytogenetic location: 16q22.1.
Variant type: single nucleotide variant.
Coding change: c.1483G>T on transcript NM_001793.6 (MANE Select); coding-DNA position 1483, G replaced by T.
Protein change: p.Val495Phe; replaces valine 495 with phenylalanine.
Molecular consequence: missense variant.
Genome position (GRCh38, 1-based): chr16:68,685,263, G>T. VCF-style: chr16-68685263-G-T. GRCh37 (hg19) VCF-style: chr16-68719166-G-T.
Other names: c.1483G>T, p.Val495Phe (NM_001317195.3); c.1318G>T, p.Val440Phe (NM_001317196.2); short protein forms V440F, V495F.
Identifiers: ClinVar variation 1514028 (VCV001514028.6), dbSNP rs1419713382, ClinGen allele CA396454368.
Genomic context (GRCh38, chr16:68,685,263, plus strand): 5'-AGCTACCGCATCCTGAGAGACCCAGCAGGGTGGCTAGCCATGGACCCAGACAGTGGGCAG[G>T]TCACAGCTGTGGGCACCCTCGACCGTGAGGATGAGCAGTTTGTGAGGAACAACATCTATG-3'
Protein context (NP_001784.2, residues 485-505): WLAMDPDSGQ[Val495Phe]TAVGTLDRED